The following is an entry in ClinVar:

ClinVar aggregate classification (germline): Uncertain significance (1 of 4 stars; one submission).

Conditions:
Developmental and epileptic encephalopathy, 2 (DEE2). Also called: CDKL5 deficiency disorder; INFANTILE SPASM SYNDROME, X-LINKED 2. Identifiers: Orphanet 1934, Orphanet 3451, Orphanet 505652, MedGen C4750718, MONDO:0010396, OMIM 300672.
Angelman syndrome-like. Identifiers: MedGen CN128785.

Allele frequency attached by ClinVar (database versions not stated): TOPMed below 0.00001; gnomAD 0.00001.
gnomAD v4.1: 1 of 1,209,776 alleles (0.000083%); highest among the groups gnomAD compares: Non-Finnish European, 0.00011%; no homozygotes.

Submission:

Labcorp Genetics (formerly Invitae), Labcorp
Classification: Uncertain significance for Developmental and epileptic encephalopathy, 2; Angelman syndrome-like. Last evaluated: 2019-10-03. Review status: criteria provided, single submitter. Criteria: Invitae Variant Classification Sherloc (09022015). Collection method: clinical testing. Allele origin: germline.
Comment: This sequence change replaces alanine with proline at codon 637 of the CDKL5 protein (p.Ala637Pro). The alanine residue is moderately conserved and there is a small physicochemical difference between alanine and proline. This variant is not present in population databases (ExAC no frequency). This variant has not been reported in the literature in individuals with CDKL5-related conditions. Algorithms developed to predict the effect of missense changes on protein structure and function are either unavailable or do not agree on the potential impact of this missense change (SIFT: "Deleterious"; PolyPhen-2: "Possibly Damaging"; Align-GVGD: "Class C0"). In summary, the available evidence is currently insufficient to determine the role of this variant in disease. Therefore, it has been classified as a Variant of Uncertain Significance.

NM_001323289.2(CDKL5):c.1909G>C (p.Ala637Pro)

Gene: CDKL5 (cyclin dependent kinase like 5; plus strand). Cytogenetic location: Xp22.13.
Variant type: single nucleotide variant.
Coding change: c.1909G>C on transcript NM_001323289.2 (MANE Select); coding-DNA position 1909, G replaced by C.
Protein change: p.Ala637Pro; replaces alanine 637 with proline.
Molecular consequence: missense variant.
Genome position (GRCh38, 1-based): chrX:18,604,833, G>C. VCF-style: chrX-18604833-G-C. GRCh37 (hg19) VCF-style: chrX-18622953-G-C.
Other names: c.1909G>C, p.Ala637Pro (NM_001037343.2, NM_003159.3); short protein forms A637P.
Identifiers: ClinVar variation 935438 (VCV000935438.1), dbSNP rs1330464637, ClinGen allele CA412363862.